The following is an entry in ClinVar:

NM_017636.4(TRPM4):c.590G>A (p.Arg197Lys)

Gene: TRPM4 (transient receptor potential cation channel subfamily M member 4; plus strand). Cytogenetic location: 19q13.33.
Variant type: single nucleotide variant.
Coding change: c.590G>A on transcript NM_017636.4 (MANE Select); coding-DNA position 590, G replaced by A.
Protein change: p.Arg197Lys; replaces arginine 197 with lysine.
Molecular consequence: missense variant. On other transcripts: 5 prime UTR variant (1), intron variant (2).
Genome position (GRCh38, 1-based): chr19:49,168,401, G>A. VCF-style: chr19-49168401-G-A. GRCh37 (hg19) VCF-style: chr19-49671658-G-A.
Other names: c.590G>A, p.Arg197Lys (NM_001195227.2); c.-964G>A (NM_001321282.2); c.68G>A, p.Arg23Lys (NM_001321283.2); c.268-152G>A (NM_001321281.2); c.-237-152G>A (NM_001321285.2); short protein forms R197K, R23K.
Identifiers: ClinVar variation 643777 (VCV000643777.6), dbSNP rs779713475, ClinGen allele CA9568860.

ClinVar aggregate classification (germline): Uncertain significance (1 of 4 stars; one submission).

Conditions:
Progressive familial heart block type IB (PFHB1B). Identifiers: Orphanet 871, MedGen C1970298, MONDO:0011474, OMIM 604559.

Allele frequency attached by ClinVar (database versions not stated): gnomAD exomes below 0.00001; ExAC 0.00001; gnomAD 0.00001.
gnomAD v4.1: 2 of 1,614,040 alleles (0.00012%); highest among the groups gnomAD compares: East Asian, 0.0045%; no homozygotes.

Submission:

Labcorp Genetics (formerly Invitae), Labcorp
Classification: Uncertain significance for Progressive familial heart block type IB. Last evaluated: 2025-11-17. Review status: criteria provided, single submitter. Criteria: Invitae Variant Classification Sherloc (09022015). Collection method: clinical testing. Allele origin: germline.
Comment: This sequence change replaces arginine, which is basic and polar, with lysine, which is basic and polar, at codon 197 of the TRPM4 protein (p.Arg197Lys). This variant is present in population databases (rs779713475, gnomAD 0.006%). This variant has not been reported in the literature in individuals affected with TRPM4-related conditions. ClinVar contains an entry for this variant (Variation ID: 643777). An algorithm developed to predict the effect of missense changes on protein structure and function (PolyPhen-2) suggests that this variant is likely to be disruptive. In summary, the available evidence is currently insufficient to determine the role of this variant in disease. Therefore, it has been classified as a Variant of Uncertain Significance.